The following is an entry in ClinVar:

NM_052859.4(RFT1):c.698C>T (p.Ala233Val)

Gene: RFT1 (RFT1 glycolipid translocator homolog; minus strand). Cytogenetic location: 3p21.1.
Variant type: single nucleotide variant.
Coding change: c.698C>T on transcript NM_052859.4 (MANE Select); coding-DNA position 698, C replaced by T.
Protein change: p.Ala233Val; replaces alanine 233 with valine.
Molecular consequence: missense variant.
Genome position (GRCh38, 1-based): chr3:53,111,907, G>A on the plus strand (C>T on the coding strand, the complement: RFT1 is on the minus strand). VCF-style: chr3-53111907-G-A. GRCh37 (hg19) VCF-style: chr3-53145923-G-A.
Other names: c.698C>T (NM_052859.3); short protein forms A233V.
Identifiers: ClinVar variation 1432472 (VCV001432472.5), dbSNP rs751030368, ClinGen allele CA2451365.
Genomic context (GRCh38, chr3:53,111,907, plus strand): 5'-TTCAAGAAAGACTGTTTGAAAAAACTCCAAGTCAGTTTAGCCTCTTTCCAGTTTATAAAC[G>A]CCTAGAAGAGAAAACAAAACAAAACAAAAACATCACAGGCGTTGCAAGTCTAAGAATGCA-3'
Protein context (NP_443091.1, residues 223-243): DLLPNITRNG[Ala233Val]FINWKEAKLT

ClinVar aggregate classification (germline): Uncertain significance. Review status: criteria provided, multiple submitters, no conflicts (2 of 4 stars). 2 submissions from 2 submitters: Uncertain significance (2). Last evaluated 2023-11-15.

Conditions:
RFT1-congenital disorder of glycosylation (CDG1N). Also called: Congenital disorder of glycosylation type In; CDG In; RFT1-CDG. Identifiers: Orphanet 244310, MedGen C2677590, MONDO:0012783, OMIM 612015.

Allele frequency attached by ClinVar (database versions not stated): gnomAD 0.00001; TOPMed 0.00003.
gnomAD v4.1: 31 of 1,611,500 alleles (0.0019%); highest among the groups gnomAD compares: South Asian, 0.029%; no homozygotes.

Submissions (2):

Revvity Omics, Revvity
Classification: Uncertain significance for RFT1-congenital disorder of glycosylation. Last evaluated: 2023-11-15. Review status: criteria provided, single submitter. Criteria: ACMG Guidelines, 2015. Collection method: clinical testing. Allele origin: germline.

Labcorp Genetics (formerly Invitae), Labcorp
Classification: Uncertain significance for RFT1-congenital disorder of glycosylation. Last evaluated: 2022-03-19. Review status: criteria provided, single submitter. Criteria: Invitae Variant Classification Sherloc (09022015). Collection method: clinical testing. Allele origin: germline.
Comment: This sequence change replaces alanine, which is neutral and non-polar, with valine, which is neutral and non-polar, at codon 233 of the RFT1 protein (p.Ala233Val). This variant is present in population databases (rs751030368, gnomAD 0.02%). This variant has not been reported in the literature in individuals affected with RFT1-related conditions. Algorithms developed to predict the effect of missense changes on protein structure and function (SIFT, PolyPhen-2, Align-GVGD) all suggest that this variant is likely to be tolerated. In summary, the available evidence is currently insufficient to determine the role of this variant in disease. Therefore, it has been classified as a Variant of Uncertain Significance.